The following is an entry in ClinVar:

NM_001184727.2(GPRASP1):c.327_330del (p.Arg110fs)

Genes: ARMCX5-GPRASP2 (ARMCX5-GPRASP2 readthrough; plus strand), GPRASP1 (G protein-coupled receptor associated sorting protein 1; plus strand). Cytogenetic location: Xq22.1.
Variant type: Microsatellite.
Coding change: c.327_330del on transcript NM_001184727.2 (MANE Select); coding-DNA positions 327 to 330, 4 bases deleted (GAGA; older notation c.327_330delGAGA).
Protein change: p.Arg110fs; shifts the reading frame from arginine 110.
Molecular consequence: frameshift variant. On other transcripts: intron variant (2).
Genome position (GRCh38, 1-based): chrX:102,654,240-102,654,243, GAGA deleted; deleting any 4 consecutive bases within chrX:102,654,237-102,654,243 gives the same sequence; the c. name uses the placement nearest the transcript's 3' end. VCF-style (leftmost placement, unchanged base first): chrX-102654236-CAGAG-C. GRCh37 (hg19) VCF-style: chrX-101909164-CAGAG-C.
Other names: c.327_330del, p.Arg110fs (NM_001099410.2, NM_001099411.2, NM_014710.5); c.-480+48587_-480+48590del (NM_001199818.1); c.-966+48587_-966+48590del (NM_001350268.2); short protein forms R110fs.
Identifiers: ClinVar variation 3235850 (VCV003235850.1), dbSNP rs2521334991, ClinGen allele CA2825002910.

ClinVar aggregate classification (germline): Uncertain significance (1 of 4 stars; one submission).

Submission:

Greenwood Genetic Center Diagnostic Laboratories, Greenwood Genetic Center
Classification: Uncertain significance. Last evaluated: 2024-01-23. Review status: criteria provided, single submitter. Criteria: ACMG Guidelines, 2015. Collection method: clinical testing. Allele origin: germline. Affected: yes.
Comment: Gene of Uncertain Significance